The following is an entry in ClinVar:

NM_177438.3(DICER1):c.947G>A (p.Trp316Ter)

Gene: DICER1 (dicer 1, ribonuclease III; minus strand). Cytogenetic location: 14q32.13.
Variant type: single nucleotide variant.
Coding change: c.947G>A on transcript NM_177438.3 (MANE Select); coding-DNA position 947, G replaced by A.
Protein change: p.Trp316Ter; replaces tryptophan 316 with a stop codon.
Molecular consequence: nonsense.
Genome position (GRCh38, 1-based): chr14:95,124,625, C>T on the plus strand (G>A on the coding strand, the complement: DICER1 is on the minus strand). VCF-style: chr14-95124625-C-T. GRCh37 (hg19) VCF-style: chr14-95590962-C-T.
Other names: c.947G>A, p.Trp316Ter (NM_001195573.1, NM_001271282.3, NM_001291628.2 and 1 more transcripts); short protein forms W316*.
Identifiers: ClinVar variation 543605 (VCV000543605.9), dbSNP rs1555374839, ClinGen allele CA390887315.

ClinVar aggregate classification (germline): Pathogenic. Review status: criteria provided, multiple submitters, no conflicts (2 of 4 stars). 2 submissions from 2 submitters: Pathogenic (2). Last evaluated 2024-04-05.

Conditions:
DICER1-related tumor predisposition. Also called: DICER1-related pleuropulmonary blastoma cancer predisposition syndrome; DICER1 syndrome. Identifiers: Orphanet 284343, MedGen C3839822, MONDO:0100216.

Submissions (2):

Labcorp Genetics (formerly Invitae), Labcorp
Classification: Pathogenic for DICER1-related tumor predisposition. Last evaluated: 2024-04-05. Review status: criteria provided, single submitter. Criteria: Invitae Variant Classification Sherloc (09022015). Collection method: clinical testing. Allele origin: germline.
Comment: This sequence change creates a premature translational stop signal (p.Trp316*) in the DICER1 gene. It is expected to result in an absent or disrupted protein product. Loss-of-function variants in DICER1 are known to be pathogenic (PMID: 19556464, 21266384). This variant is not present in population databases (gnomAD no frequency). This variant has not been reported in the literature in individuals affected with DICER1-related conditions. ClinVar contains an entry for this variant (Variation ID: 543605). For these reasons, this variant has been classified as Pathogenic.

PreventionGenetics, part of Exact Sciences
Classification: Pathogenic. Last evaluated: 2018-02-15. Review status: criteria provided, single submitter. Criteria: ACMG Guidelines, 2015. Collection method: clinical testing. Allele origin: germline.

Literature cited by the submitters: PubMed 19556464 (cited by Labcorp Genetics (formerly Invitae), Labcorp); PubMed 21266384 (cited by Labcorp Genetics (formerly Invitae), Labcorp).